The following is an entry in ClinVar:

ClinVar aggregate classification (germline): Likely pathogenic (1 of 4 stars; one submission).

Conditions:
Cardiovascular phenotype. Identifiers: MedGen CN230736.

Submission:

Ambry Genetics
Classification: Likely pathogenic for Cardiovascular phenotype. Last evaluated: 2023-08-30. Review status: criteria provided, single submitter. Criteria: Ambry Variant Classification Scheme 2023. Collection method: clinical testing. Allele origin: germline.
Comment: The c.16872_16873delTG variant, located in coding exon 65 of the TTN gene, results from a deletion of two nucleotides at nucleotide positions 16872 to 16873, causing a translational frameshift with a predicted alternate stop codon (p.E5625Dfs*5). This exon is located in the I-band region of the N2-B isoform of the titin protein and is constitutively expressed in TTN transcripts (percent spliced in or PSI 100%). This variant is considered to be rare based on population cohorts in the Genome Aggregation Database (gnomAD). This alteration is expected to result in loss of function by premature protein truncation or nonsense-mediated mRNA decay. While truncating variants in TTN are present in 1-3% of the general population, truncating variants in the A-band are the most common cause of dilated cardiomyopathy (DCM) (Herman DS et al. N. Engl. J. Med., 2012 Feb;366:619-28; Roberts AM et al. Sci Transl Med, 2015 Jan;7:270ra6). TTN truncating variants encoded in constitutive exons (PSI >90%) have been found to be significantly associated with DCM regardless of their position in titin (Schafer S et al. Nat. Genet., 2017 01;49:46-53). Based on the majority of available evidence to date, this variant is likely to be pathogenic.

NM_001267550.2(TTN):c.44067_44068del (p.Glu14690fs)

Gene: TTN (titin; minus strand). Cytogenetic location: 2q31.2.
Variant type: Deletion.
Coding change: c.44067_44068del on transcript NM_001267550.2 (MANE Select); coding-DNA positions 44067 to 44068, 2 bases deleted (TG; older notation c.44067_44068delTG).
Protein change: p.Glu14690fs; shifts the reading frame from glutamic acid 14690.
Molecular consequence: frameshift variant.
Genome position (GRCh38, 1-based): chr2:178,630,890-178,630,891, CA deleted on the plus strand (TG on the coding strand, the reverse complement: TTN is on the minus strand). VCF-style (leftmost placement, unchanged base first): chr2-178630889-TCA-T. GRCh37 (hg19) VCF-style: chr2-179495616-TCA-T.
Other names: c.39144_39145del, p.Glu13049fs (NM_001256850.1); c.16872_16873del, p.Glu5625fs (NM_003319.4); c.36363_36364del, p.Glu12122fs (NM_133378.4); c.17247_17248del, p.Glu5750fs (NM_133432.3); c.17448_17449del, p.Glu5817fs (NM_133437.4); c.16872_16873delTG (NM_003319.4); short protein forms E12122fs, E5817fs, E13049fs, E5750fs, E14690fs, E5625fs.
Identifiers: ClinVar variation 2586569 (VCV002586569.2), dbSNP rs2471403950, ClinGen allele CA2582342037.